The following is an entry in ClinVar:

ClinVar aggregate classification (germline): Uncertain significance (1 of 4 stars; one submission).

Conditions:
Hereditary cancer-predisposing syndrome. Also called: Neoplastic Syndromes, Hereditary; Tumor predisposition; Hereditary Cancer Syndrome; Hereditary neoplastic syndrome. Identifiers: Orphanet 140162, MedGen C0027672, MeSH D009386, MONDO:0015356.

Submission:

Ambry Genetics
Classification: Uncertain significance for Hereditary cancer-predisposing syndrome. Last evaluated: 2025-06-28. Review status: criteria provided, single submitter. Criteria: Ambry Variant Classification Scheme 2023. Collection method: clinical testing. Allele origin: germline.
Comment: The p.V1377M variant (also known as c.4129G>A), located in coding exon 28 of the SMARCA4 gene, results from a G to A substitution at nucleotide position 4129. The valine at codon 1377 is replaced by methionine, an amino acid with highly similar properties. This amino acid position is conserved. In addition, this alteration is predicted to be deleterious by in silico analysis. Based on the available evidence, the clinical significance of this variant remains unclear.

NM_003072.5(SMARCA4):c.4129G>A (p.Val1377Met)

Gene: SMARCA4 (SWI/SNF related BAF chromatin remodeling complex subunit ATPase 4; plus strand). Cytogenetic location: 19p13.2.
Variant type: single nucleotide variant.
Coding change: c.4129G>A on transcript NM_003072.5 (MANE Select); coding-DNA position 4129, G replaced by A.
Protein change: p.Val1377Met; replaces valine 1377 with methionine.
Molecular consequence: missense variant. On other transcripts: non-coding transcript variant (1).
Genome position (GRCh38, 1-based): chr19:11,035,091, G>A. VCF-style: chr19-11035091-G-A. GRCh37 (hg19) VCF-style: chr19-11145767-G-A.
Other names: c.4129G>A, p.Val1377Met (NM_001387283.1, NM_001128844.3, NM_001128849.3); c.4030G>A, p.Val1344Met (NM_001411150.1, NM_001128845.2, NM_001128846.2 and 3 more transcripts); short protein forms V1344M, V1377M.
Identifiers: ClinVar variation 4170127 (VCV004170127.1).
Genomic context (GRCh38, chr19:11,035,091, plus strand): 5'-CTGACCTGTGAGGAGGAGGAGGAGAAGATGTTCGGCCGTGGCTCCCGCCACCGCAAGGAG[G>A]TGGACTACAGCGACTCACTGACGGAGAAGCAGTGGCTCAAGGTACATGCTGGAGAGGCCC-3'
Protein context (NP_003063.2, residues 1367-1387): FGRGSRHRKE[Val1377Met]DYSDSLTEKQ